The following is an entry in ClinVar:

ClinVar aggregate classification (germline): Uncertain significance. Review status: criteria provided, multiple submitters, no conflicts (2 of 4 stars). 2 submissions from 2 submitters: Uncertain significance (2). Last evaluated 2025-08-09.

gnomAD v4.1: 58 of 1,613,928 alleles (0.0036%); highest among the groups gnomAD compares: African/African-American, 0.048%; no homozygotes.

Submissions (2):

Ambry Genetics
Classification: Uncertain significance. Last evaluated: 2025-08-09. Review status: criteria provided, single submitter. Criteria: Ambry Variant Classification Scheme 2023. Collection method: clinical testing. Allele origin: germline.

Labcorp Genetics (formerly Invitae), Labcorp
Classification: Uncertain significance. Last evaluated: 2024-12-30. Review status: criteria provided, single submitter. Criteria: Invitae Variant Classification Sherloc (09022015). Collection method: clinical testing. Allele origin: germline.
Comment: This sequence change replaces arginine, which is basic and polar, with histidine, which is basic and polar, at codon 474 of the ROR1 protein (p.Arg474His). This variant is present in population databases (rs151022507, gnomAD 0.03%). This variant has not been reported in the literature in individuals affected with ROR1-related conditions. Invitae Evidence Modeling of protein sequence and biophysical properties (such as structural, functional, and spatial information, amino acid conservation, physicochemical variation, residue mobility, and thermodynamic stability) indicates that this missense variant is not expected to disrupt ROR1 protein function with a negative predictive value of 80%. In summary, the available evidence is currently insufficient to determine the role of this variant in disease. Therefore, it has been classified as a Variant of Uncertain Significance.

NM_005012.4(ROR1):c.1421G>A (p.Arg474His)

Gene: ROR1 (receptor tyrosine kinase like orphan receptor 1; plus strand). Cytogenetic location: 1p31.3.
Variant type: single nucleotide variant.
Coding change: c.1421G>A on transcript NM_005012.4 (MANE Select); coding-DNA position 1421, G replaced by A.
Protein change: p.Arg474His; replaces arginine 474 with histidine.
Molecular consequence: missense variant.
Genome position (GRCh38, 1-based): chr1:64,177,462, G>A. VCF-style: chr1-64177462-G-A. GRCh37 (hg19) VCF-style: chr1-64643145-G-A.
Other names: c.1421G>A (NM_005012.2); short protein forms R474H.
Identifiers: ClinVar variation 3708010 (VCV003708010.3).